The following is an entry in ClinVar:

ClinVar aggregate classification (germline): Pathogenic/Likely pathogenic. Review status: criteria provided, multiple submitters, no conflicts (2 of 4 stars). 2 submissions from 2 submitters: Pathogenic (1); Likely pathogenic (1). Last evaluated 2024-02-24.

Conditions:
Autosomal recessive nonsyndromic hearing loss 23. Identifiers: Orphanet 90636, MedGen C1836027, MONDO:0012293, OMIM 609533.

Submissions (2):

Baylor Genetics
Classification: Likely pathogenic for Autosomal recessive nonsyndromic hearing loss 23. Last evaluated: 2024-02-24. Review status: criteria provided, single submitter. Criteria: ACMG Guidelines, 2015. Collection method: clinical testing. Allele origin: unknown.

Labcorp Genetics (formerly Invitae), Labcorp
Classification: Pathogenic. Last evaluated: 2023-01-06. Review status: criteria provided, single submitter. Criteria: Invitae Variant Classification Sherloc (09022015). Collection method: clinical testing. Allele origin: germline.
Comment: For these reasons, this variant has been classified as Pathogenic. This variant has not been reported in the literature in individuals affected with PCDH15-related conditions. This variant is not present in population databases (gnomAD no frequency). This sequence change creates a premature translational stop signal (p.Ile544Asnfs*4) in the PCDH15 gene. It is expected to result in an absent or disrupted protein product. Loss-of-function variants in PCDH15 are known to be pathogenic (PMID: 11398101, 11487575, 14570705).

Literature cited by the submitters: PubMed 11398101 (cited by Labcorp Genetics (formerly Invitae), Labcorp); PubMed 11487575 (cited by Labcorp Genetics (formerly Invitae), Labcorp); PubMed 14570705 (cited by Labcorp Genetics (formerly Invitae), Labcorp).

NM_001384140.1(PCDH15):c.1630dup (p.Ile544fs)

Gene: PCDH15 (protocadherin related 15; minus strand). Cytogenetic location: 10q21.1.
Variant type: Duplication.
Coding change: c.1630dup on transcript NM_001384140.1 (MANE Select); coding-DNA position 1630, one base duplicated (A; older notation c.1630dupA).
Protein change: p.Ile544fs; shifts the reading frame from isoleucine 544.
Molecular consequence: frameshift variant.
Genome position (GRCh38, 1-based): chr10:54,153,254, T duplicated on the plus strand (A on the coding strand, the reverse complement: PCDH15 is on the minus strand). VCF-style (leftmost placement, unchanged base first): chr10-54153253-A-AT. GRCh37 (hg19) VCF-style: chr10-55913013-A-AT.
Other names: c.1645dup, p.Ile549fs (NM_001142763.2, NM_001142771.2); c.1630dup, p.Ile544fs (NM_001142764.2, NM_001142765.2, NM_001142766.2 and 6 more transcripts); c.1519dup, p.Ile507fs (NM_001142767.2); c.1564dup, p.Ile522fs (NM_001142768.2, NM_001142773.2, NM_001354404.2); c.1666dup, p.Ile556Asnfs (NM_001142769.4); c.1651dup, p.Ile551fs (NM_001354411.2); short protein forms I507fs, I522fs, I549fs, I556fs, I544fs, I551fs.
Identifiers: ClinVar variation 2826665 (VCV002826665.4), dbSNP rs2539028575, ClinGen allele CA2739265425.